The following is an entry in ClinVar:

NM_000232.5(SGCB):c.703dup (p.Met235fs)

Gene: SGCB (sarcoglycan beta; minus strand). Cytogenetic location: 4q12.
Variant type: Duplication.
Coding change: c.703dup on transcript NM_000232.5 (MANE Select); coding-DNA position 703, one base duplicated (A; older notation c.703dupA).
Protein change: p.Met235fs; shifts the reading frame from methionine 235.
Molecular consequence: frameshift variant.
Genome position (GRCh38, 1-based): chr4:52,028,018, T duplicated on the plus strand (A on the coding strand, the reverse complement: SGCB is on the minus strand). VCF-style (leftmost placement, unchanged base first): chr4-52028017-A-AT. GRCh37 (hg19) VCF-style: chr4-52894183-A-AT.
Other names: short protein forms M235fs.
Identifiers: ClinVar variation 2678695 (VCV002678695.2), dbSNP rs2475219928, ClinGen allele CA2695199375.

ClinVar aggregate classification (germline): Likely pathogenic. Review status: criteria provided, multiple submitters, no conflicts (2 of 4 stars). 2 submissions from 2 submitters: Likely pathogenic (2). Last evaluated 2024-06-17.

Conditions:
Autosomal recessive limb-girdle muscular dystrophy type 2E (LGMDR4). Also called: MUSCULAR DYSTROPHY, LIMB-GIRDLE, AUTOSOMAL RECESSIVE 4. Identifiers: Orphanet 119, MedGen C1858593, MONDO:0011423, OMIM 604286. Disease mechanism: Affects gamma-sarcoglycan and also disrupts the integrity of the entire sarcoglycan complex..

Submissions (2):

Natera, Inc.
Classification: Likely pathogenic for Limb-girdle muscular dystrophy type 2E. Last evaluated: 2024-06-17. Review status: criteria provided, single submitter. Criteria: Natera Variant Classification Schema (03/2026). Collection method: clinical testing. Allele origin: germline.
Comment: The c.703dup variant in SGCB is a frameshift variant predicted to shift the reading frame beginning at codon 235 and leads to a stop codon 6 codons downstream. This variant is expected to result in nonsense mediated decay, truncation, or a dysfunctional protein product. This variant is rare in the general population with a frequency below the threshold expected for the associated phenotype(s). Given the available evidence, this variant is classified as Likely Pathogenic.

Baylor Genetics
Classification: Likely pathogenic for Autosomal recessive limb-girdle muscular dystrophy type 2E. Last evaluated: 2022-12-31. Review status: criteria provided, single submitter. Criteria: ACMG Guidelines, 2015. Collection method: clinical testing. Allele origin: unknown.